The following is an entry in ClinVar:

ClinVar aggregate classification (germline): Uncertain significance. Review status: reviewed by expert panel (3 of 4 stars). 4 submissions from 4 submitters: Uncertain significance (1). 3 of the submissions do not count toward it. Last evaluated 2021-10-26.

Conditions:
NARP syndrome. Also called: NEUROPATHY, ATAXIA, AND RETINITIS PIGMENTOSA; NARP. Identifiers: Orphanet 644, MedGen C1328349, MONDO:0010794, OMIM 551500.
Leigh syndrome (NULS). Also called: Leigh's syndrome; Leigh Disease; Subacute necrotizing encephalopathy; Necrotizing encephalopathy infantile subacute of Leigh; LEIGH SYNDROME, NUCLEAR; Leigh's necrotizing encephalopathy. Identifiers: Orphanet 506, MedGen C2931891, MONDO:0009723, OMIM 256000.
Cerebellar ataxia. Identifiers: Orphanet 102002, MedGen C0007758, MONDO:0000437.
Rod-cone dystrophy. Identifiers: MedGen C4551714, HP:0000510.
Cerebellar atrophy. Identifiers: MedGen C0740279, HP:0001272.
Tremor. Also called: tremors. Identifiers: MedGen C0040822, HP:0001337.
Mitochondrial disease. Also called: Mitochondrial disorder; Mitochondrial disorders. Identifiers: Orphanet 68380, MedGen C0751651, MeSH D028361, MONDO:0044970.

Submissions (4):

ClinGen Mitochondrial Disease Nuclear and Mitochondrial  Variant Curation Expert Panel, ClinGen
Classification: Uncertain significance for Mitochondrial disease. Last evaluated: 2021-10-26. Review status: reviewed by expert panel. Criteria: clingen mito disease acmg specifications v1-1. Collection method: curation. Allele origin: germline. Inheritance: Mitochondrial inheritance.
Comment: The m.9032T>C (p. L169P) variant in MT-ATP6 has been reported in at least three probands to date. The first family reported had features in the NARP (neurogenic muscle weakness, ataxia, and retinitis pigmentosa) syndrome spectrum (PMID: 24986921). Another case was reported with epilepsy, developmental delay, microcephaly, ataxia, and sensorineural hearing loss (PMID: 32931937). Limited phenotypic information was available for one report (PMID: 32581362). Haplogroup information was not reported for all cases precluding consideration for PS4. The variant has been reported to segregate with features of primary mitochondrial disease in two family members from one family - the variant was found in mildly affected mother at lesser heteroplasmy than in same tissues (urine, hair, blood) in the patient; variant was not present in the hair, urine, buccal mucosa, or blood of a healthy maternal aunt (PP1; PMID: 24986921). This variant has been identified as a de novo occurrence with unconfirmed parental relationships in one individual with features consistent with primary mitochondrial disease (PM6_supporting, PMID: 32931937). The computational predictor APOGEE gives a consensus rating of pathogenic with a score of 0.62 (Min=0, Max=1), which predicts a damaging effect on gene function (PP3). This variant is absent from Mitomap's 51,863 sequences (AF=0.00%); Helix's 196,554 sequences (AF=0.00%); and gnomAD v3.1.2 (PM2_Supporting). Cybrid studies showed (1) significantly lower uncoupled respiration in m.9032T>C cybrids and (2) decrease in endogenous oxygen consumption, with no differences in leaking respiration (PS3_supporting; PMID 24986921). In summary, this variant meets criteria to be classified as uncertain significance for primary mitochondrial disease inherited in a mitochondrial manner. This classification was approved by the NICHD U24 Mitochondrial Disease Variant Curation Expert Panel on May 20, 2021. Mitochondrial DNA-specific ACMG/AMP criteria applied: PP1, PP3, PM6_supporting, PM2_supporting, PS3_supporting.

Wong Mito Lab, Molecular and Human Genetics, Baylor College of Medicine
Classification: Pathogenic for Leigh syndrome. Last evaluated: 2019-10-17. Review status: criteria provided, single submitter. Criteria: Modified ACMG Guidelines (Unpublished). Collection method: clinical testing. Allele origin: germline. Not counted in ClinVar's aggregate classification.
Comment: The NC_012920.1:m.9032T>C (YP_003024031.1:p.Leu169Pro) variant in MTATP6 gene is interpretated to be a Pathogenic variant based on the modified ACMG guidelines (unpublished). This variant meets the following evidence codes: PS3, PM2, PM9, PP3, PP4, PP6

Solve-RD Consortium
Classification: Likely pathogenic for NARP syndrome. Last evaluated: 2022-06-01. Review status: no assertion criteria provided. Collection method: provider interpretation. Allele origin: maternal. Affected: yes. Not counted in ClinVar's aggregate classification.
Comment: Variant confirmed as disease-causing by referring clinical team

Variant identified during reanalysis of unsolved cases by the Solve-RD project. The Solve-RD project has received funding from the European Union’s Horizon 2020 research and innovation programme under grant agreement No 779257.

NIHR Bioresource Rare Diseases, University of Cambridge
Classification: Likely pathogenic for Cerebellar atrophy; Ataxia; Tremor; Rod-cone dystrophy. Review status: no assertion criteria provided. Collection method: research. Allele origin: unknown. Affected: yes. Observed: 1 variant allele. Not counted in ClinVar's aggregate classification.

Literature cited by the submitters: PubMed 24986921 (cited by Wong Mito Lab, Molecular and Human Genetics, Baylor College of Medicine); PubMed 39825153 (cited by Solve-RD Consortium); PubMed 32581362 (cited by NIHR Bioresource Rare Diseases, University of Cambridge).

NC_012920.1(MT-ATP6):m.9032T>C

Gene: MT-ATP6 (mitochondrially encoded ATP synthase 6; plus strand).
Variant type: single nucleotide variant.
Genome position: chrM-9032-T-C.
Identifiers: ClinVar variation 693061 (VCV000693061.5), dbSNP rs1603221994, ClinGen allele CA414801944.